The following is an entry in ClinVar:

NM_000719.7(CACNA1C):c.410A>G (p.Asn137Ser)

Gene: CACNA1C (calcium voltage-gated channel subunit alpha1 C; plus strand). Cytogenetic location: 12p13.33.
Variant type: single nucleotide variant.
Coding change: c.410A>G on transcript NM_000719.7 (MANE Select); coding-DNA position 410, A replaced by G.
Protein change: p.Asn137Ser; replaces asparagine 137 with serine.
Molecular consequence: missense variant.
Genome position (GRCh38, 1-based): chr12:2,120,363, A>G. VCF-style: chr12-2120363-A-G. GRCh37 (hg19) VCF-style: chr12-2229529-A-G.
Other names: c.410A>G, p.Asn137Ser (NM_001129840.2, NM_001129841.2, NM_001129842.2 and 19 more transcripts); c.410A>G (NM_000719.6); short protein forms N137S.
Identifiers: ClinVar variation 1044230 (VCV001044230.10), dbSNP rs1242329478, ClinGen allele CA383653629.

ClinVar aggregate classification (germline): Conflicting classifications of pathogenicity. Review status: criteria provided, conflicting classifications (1 of 4 stars). 2 submissions from 2 submitters: Uncertain significance (1); Likely benign (1). Last evaluated 2026-02-19.

Conditions:
Long QT syndrome (LQTS). Identifiers: MedGen C0023976, MeSH D008133, MONDO:0002442. Disease mechanism: loss of function. Inheritance: Various modes of inheritance.
CACNA1C-related disorder. Also called: CACNA1C-related condition; CACNA1C-related disorders. Identifiers: MedGen CN381092, MONDO:0700321.

Allele frequency attached by ClinVar (database versions not stated): gnomAD exomes below 0.00001; gnomAD 0.00001.
gnomAD v4.1: 5 of 1,610,978 alleles (0.00031%); highest among the groups gnomAD compares: Admixed American, 0.0017%; no homozygotes.

Submissions (2):

PreventionGenetics, part of Exact Sciences
Classification: Likely benign for CACNA1C-related condition. Last evaluated: 2026-02-19. Review status: criteria provided, single submitter. Criteria: ACMG Guidelines, 2015. Collection method: clinical testing. Allele origin: germline.
Comment: This variant is classified as likely benign based on ACMG/AMP sequence variant interpretation guidelines (Richards et al. 2015 PMID: 25741868, with internal and published modifications).

Labcorp Genetics (formerly Invitae), Labcorp
Classification: Uncertain significance for Long QT syndrome. Last evaluated: 2024-01-28. Review status: criteria provided, single submitter. Criteria: Invitae Variant Classification Sherloc (09022015). Collection method: clinical testing. Allele origin: germline.
Comment: This sequence change replaces asparagine, which is neutral and polar, with serine, which is neutral and polar, at codon 137 of the CACNA1C protein (p.Asn137Ser). This variant is present in population databases (no rsID available, gnomAD 0.1%). This variant has not been reported in the literature in individuals affected with CACNA1C-related conditions. ClinVar contains an entry for this variant (Variation ID: 1044230). Advanced modeling of protein sequence and biophysical properties (such as structural, functional, and spatial information, amino acid conservation, physicochemical variation, residue mobility, and thermodynamic stability) performed at Invitae indicates that this missense variant is expected to disrupt CACNA1C protein function with a positive predictive value of 95%. Algorithms developed to predict the effect of sequence changes on RNA splicing suggest that this variant may disrupt the consensus splice site. In summary, the available evidence is currently insufficient to determine the role of this variant in disease. Therefore, it has been classified as a Variant of Uncertain Significance.